The following is an entry in ClinVar:

NM_033380.3(COL4A5):c.5030T>A (p.Leu1677Ter)

Gene: COL4A5 (collagen type IV alpha 5 chain; plus strand). Cytogenetic location: Xq22.3.
Variant type: single nucleotide variant.
Coding change: c.5030T>A on transcript NM_033380.3 (MANE Select); coding-DNA position 5030, T replaced by A.
Protein change: p.Leu1677Ter; replaces leucine 1677 with a stop codon.
Molecular consequence: nonsense.
Genome position (GRCh38, 1-based): chrX:108,696,332, T>A. VCF-style: chrX-108696332-T-A. GRCh37 (hg19) VCF-style: chrX-107939562-T-A.
Other names: c.5012T>A, p.Leu1671Ter (NM_000495.5); short protein forms L1671*, L1677*.
Identifiers: ClinVar variation 1074994 (VCV001074994.10), dbSNP rs2148003713, ClinGen allele CA414133105.

ClinVar aggregate classification (germline): Pathogenic (1 of 4 stars; one submission).

Submission:

Labcorp Genetics (formerly Invitae), Labcorp
Classification: Pathogenic. Last evaluated: 2022-03-05. Review status: criteria provided, single submitter. Criteria: Invitae Variant Classification Sherloc (09022015). Collection method: clinical testing. Allele origin: germline.
Comment: This sequence change creates a premature translational stop signal (p.Leu1671*) in the COL4A5 gene. While this is not anticipated to result in nonsense mediated decay, it is expected to disrupt the last 15 amino acid(s) of the COL4A5 protein. This variant is not present in population databases (gnomAD no frequency). This premature translational stop signal has been observed in individual(s) with clinical features of Alport syndrome (Invitae). ClinVar contains an entry for this variant (Variation ID: 1074994). This variant disrupts a region of the COL4A5 protein in which other variant(s) (p.Arg1674*) have been determined to be pathogenic (PMID: 30577881). This suggests that this is a clinically significant region of the protein, and that variants that disrupt it are likely to be disease-causing. For these reasons, this variant has been classified as Pathogenic.

Literature cited by the submitters: PubMed 30577881.